The following is an entry in ClinVar:

NM_000260.4(MYO7A):c.2293C>A (p.Leu765Met)

Gene: MYO7A (myosin VIIA; plus strand). Cytogenetic location: 11q13.5.
Variant type: single nucleotide variant.
Coding change: c.2293C>A on transcript NM_000260.4 (MANE Select); coding-DNA position 2293, C replaced by A.
Protein change: p.Leu765Met; replaces leucine 765 with methionine.
Molecular consequence: missense variant.
Genome position (GRCh38, 1-based): chr11:77,179,055, C>A. VCF-style: chr11-77179055-C-A. GRCh37 (hg19) VCF-style: chr11-76890101-C-A.
Other names: c.2293C>A, p.Leu765Met (NM_001127180.2); c.2260C>A, p.Leu754Met (NM_001369365.1); short protein forms L765M, L754M.
Identifiers: ClinVar variation 43180 (VCV000043180.34), dbSNP rs201203036, ClinGen allele CA132243.
Genomic context (GRCh38, chr11:77,179,055, plus strand): 5'-CCCTGGCTGCCTCTGGACACTGCTCACCCGCGCCACTACTGCTGTTTCAGGTCTAACTTT[C>A]TGAAGCTGAAGAACGCTGCCACACTGATCCAGAGGCACTGGCGGGGTCACAACTGTAGGA-3'
Protein context (NP_000251.3, residues 755-775): IRGFKDRSNF[Leu765Met]KLKNAATLIQ

ClinVar aggregate classification (germline): Conflicting classifications of pathogenicity. Review status: criteria provided, conflicting classifications (1 of 4 stars). 12 submissions from 10 submitters: Uncertain significance (9); Likely benign (2). 1 of the submissions does not count toward it. Last evaluated 2026-08-18.

Conditions:
MYO7A-related disorder. Also called: MYO7A-related disorders.
Inborn genetic diseases. Identifiers: MedGen C0950123, MeSH D030342.
Usher syndrome type 1 (USH1). Also called: RETINITIS PIGMENTOSA AND CONGENITAL DEAFNESS. Identifiers: Orphanet 231169, Orphanet 886, MedGen C1568247, MONDO:0010168, OMIM 276900.
Autosomal recessive nonsyndromic hearing loss 2. Also called: DEAFNESS, AUTOSOMAL RECESSIVE 2; NEUROSENSORY NONSYNDROMIC RECESSIVE DEAFNESS 2. Identifiers: Orphanet 90636, MedGen C1838701, MONDO:0010807, OMIM 600060.
Autosomal dominant nonsyndromic hearing loss 11. Identifiers: Orphanet 90635, MedGen C1832475, MONDO:0011032, OMIM 601317.
Usher syndrome type 1B (USH1B). Also called: Usher syndrome type IB. Identifiers: MedGen C1848638, MONDO:0700087.

Allele frequency attached by ClinVar (database versions not stated): ESP Exome Variant Server 0.00039; ExAC 0.00041; gnomAD exomes 0.00065 and 0.00022; 1000 Genomes Project 0.00020; TOPMed 0.00026; gnomAD 0.00027 and 0.00029; 1000 Genomes Project 30x 0.00031.

Submissions (12):

PreventionGenetics, part of Exact Sciences
Classification: Uncertain significance for MYO7A-related condition. Last evaluated: 2026-08-18. Review status: criteria provided, single submitter. Criteria: ACMG Guidelines, 2015. Collection method: clinical testing. Allele origin: germline.
Comment: The MYO7A c.2293C>A variant is predicted to result in the amino acid substitution p.Leu765Met. To our knowledge, this variant has not been reported in the literature. This variant is reported in 0.044% of alleles in individuals of European (Non-Finnish) descent in gnomAD, including one homozygote in the larger gnomAD v4.1.1 database. At this time, the clinical significance of this variant is uncertain due to the absence of conclusive functional and genetic evidence.

Labcorp Genetics (formerly Invitae), Labcorp
Classification: Likely benign. Last evaluated: 2026-02-01. Review status: criteria provided, single submitter. Criteria: Invitae Variant Classification Sherloc (09022015). Collection method: clinical testing. Allele origin: germline.

Ambry Genetics
Classification: Uncertain significance for Inborn genetic diseases. Last evaluated: 2025-08-27. Review status: criteria provided, single submitter. Criteria: Ambry Variant Classification Scheme 2023. Collection method: clinical testing. Allele origin: germline.

GeneDx
Classification: Uncertain significance. Last evaluated: 2025-05-21. Review status: criteria provided, single submitter. Criteria: GeneDx Variant Classification Process June 2021. Collection method: clinical testing. Allele origin: germline. Affected: yes.
Comment: In silico analysis suggests that this missense variant does not alter protein structure/function; Has not been previously published as pathogenic or benign in association with MYO7A-related disorders to our knowledge; This variant is associated with the following publications: (PMID: 40037090)

Blueprint Genetics
Classification: Uncertain significance. Last evaluated: 2024-10-08. Review status: criteria provided, single submitter. Criteria: ACMG Guidelines, 2015. Collection method: clinical testing. Allele origin: germline.

Fulgent Genetics
Classification: Uncertain significance for Usher syndrome type 1; Autosomal recessive nonsyndromic hearing loss 2; Autosomal dominant nonsyndromic hearing loss 11. Last evaluated: 2024-03-08. Review status: criteria provided, single submitter. Criteria: ACMG Guidelines, 2015. Collection method: clinical testing. Allele origin: germline.

Laboratory for Molecular Medicine, Mass General Brigham Personalized Medicine
Classification: Uncertain significance. Last evaluated: 2018-08-09. Review status: criteria provided, single submitter. Criteria: LMM Criteria. Collection method: clinical testing. Allele origin: germline. Observed: 9 variant alleles.
Comment: Variant classified as Uncertain Significance - Favor Benign. The p.Leu765Met var iant in MYO7A has been previously identified by our laboratory in 5 individuals with hearing loss; however, a variant affecting the other copy of MYO7A was not identified in any of these individuals. This variant has also been reported in C linVar (Variation ID 43180) and has been identified in 56/121520 European chromo somes by the Genome Aggregation Database (gnomAD, rg). Computational prediction tools and conservation analysis do not provide sup port for or against an impact the protein. In summary, while the clinical signif icance of the p.Leu765Met variant is uncertain, its frequency suggests it is mor e likely to be benign. ACMG/AMP Criteria applied: BS1_Supporting.

Illumina Laboratory Services, Illumina
Classification: Uncertain significance for Usher syndrome type 1. Last evaluated: 2018-01-13. Review status: criteria provided, single submitter. Criteria: ICSL Variant Classification Criteria 13 December 2019. Collection method: clinical testing. Allele origin: germline.

Illumina Laboratory Services, Illumina
Classification: Likely benign for Autosomal dominant nonsyndromic hearing loss 11. Last evaluated: 2018-01-13. Review status: criteria provided, single submitter. Criteria: ICSL Variant Classification Criteria 13 December 2019. Collection method: clinical testing. Allele origin: germline.
Comment: This variant was observed in the ICSL laboratory as part of a predisposition screen in an ostensibly healthy population. It had not been previously curated by ICSL or reported in the Human Gene Mutation Database (HGMD: prior to June 1st, 2018), and was therefore a candidate for classification through an automated scoring system. Utilizing variant allele frequency, disease prevalence and penetrance estimates, and inheritance mode, an automated score was calculated to assess if this variant is too frequent to cause the disease. Based on the score and internal cut-off values, a variant classified as likely benign is not then subjected to further curation. The score for this variant resulted in a classification of likely benign for this disease.

Illumina Laboratory Services, Illumina
Classification: Uncertain significance for Autosomal recessive nonsyndromic hearing loss 2. Last evaluated: 2018-01-13. Review status: criteria provided, single submitter. Criteria: ICSL Variant Classification Criteria 13 December 2019. Collection method: clinical testing. Allele origin: germline.

Eurofins Ntd Llc (ga)
Classification: Uncertain significance. Last evaluated: 2017-02-01. Review status: criteria provided, single submitter. Criteria: EGL Classification Definitions 2015. Collection method: clinical testing. Allele origin: germline. Observed: 1 variant allele, 1 heterozygote.

Natera, Inc.
Classification: Uncertain significance for Usher syndrome type 1B. Last evaluated: 2020-01-24. Review status: no assertion criteria provided. Collection method: clinical testing. Allele origin: germline. Not counted in ClinVar's aggregate classification.